The following is an entry in ClinVar:

NM_000038.6(APC):c.7047A>G (p.Ser2349=)

Gene: APC (APC regulator of Wnt signaling pathway; plus strand). Cytogenetic location: 5q22.2.
Variant type: single nucleotide variant.
Coding change: c.7047A>G on transcript NM_000038.6 (MANE Select); coding-DNA position 7047, A replaced by G.
Protein change: p.Ser2349=; no amino-acid change (serine 2349 retained).
Molecular consequence: synonymous variant. On other transcripts: non-coding transcript variant (2).
Genome position (GRCh38, 1-based): chr5:112,842,641, A>G. VCF-style: chr5-112842641-A-G. GRCh37 (hg19) VCF-style: chr5-112178338-A-G.
Other names: c.6924A>G, p.Ser2308= (NM_001354900.2); c.6870A>G, p.Ser2290= (NM_001354901.2, NM_001407453.1); c.6774A>G, p.Ser2258= (NM_001354902.2); c.6567A>G, p.Ser2189= (NM_001354905.2); c.6198A>G, p.Ser2066= (NM_001354906.2, NM_001407470.1); c.7131A>G, p.Ser2377= (NM_001407446.1); c.7101A>G, p.Ser2367= (NM_001407447.1, NM_001354896.2, NM_001407448.1 and 1 more transcripts); c.7047A>G, p.Ser2349= (NM_001127510.3, NM_001354895.2, NM_001407450.1); and 11 more.
Identifiers: ClinVar variation 3253914 (VCV003253914.1), dbSNP rs1274342268.

ClinVar aggregate classification (germline): Benign (1 of 4 stars; one submission).

Conditions:
Familial adenomatous polyposis 1 (FAP1). Also called: POLYPOSIS, ADENOMATOUS INTESTINAL; FAMILIAL ADENOMATOUS POLYPOSIS 1, ATTENUATED. Identifiers: MedGen C2713442, MONDO:0021056, OMIM 175100. Disease mechanism: loss of function.

Allele frequency attached by ClinVar (database versions not stated): gnomAD exomes below 0.00001; gnomAD 0.00001; TOPMed 0.00001.
gnomAD v4.1: 2 of 1,613,836 alleles (0.00012%); highest among the groups gnomAD compares: African/African-American, 0.0013%; no homozygotes.

Submission:

Myriad Genetics, Inc.
Classification: Benign for Familial adenomatous polyposis 1. Last evaluated: 2024-04-08. Review status: criteria provided, single submitter. Criteria: Myriad Autosomal Dominant, Autosomal Recessive and X-Linked Classification Criteria (2023). Collection method: clinical testing. Allele origin: unknown.
Comment: This variant is considered benign. This variant is a silent/synonymous amino acid change and it is not expected to impact splicing.